The following is an entry in ClinVar:

ClinVar aggregate classification (germline): Uncertain significance (1 of 4 stars; one submission).

Conditions:
Joubert syndrome 21 (JBTS21). Identifiers: MedGen C3810212, MONDO:0014288, OMIM 615636.

Allele frequency attached by ClinVar (database versions not stated): gnomAD 0.00001; TOPMed 0.00003.
gnomAD v4.1: 71 of 1,613,766 alleles (0.0044%); highest among the groups gnomAD compares: Non-Finnish European, 0.0058%; no homozygotes.

Submission:

Labcorp Genetics (formerly Invitae), Labcorp
Classification: Uncertain significance for Joubert syndrome 21. Last evaluated: 2022-10-18. Review status: criteria provided, single submitter. Criteria: Invitae Variant Classification Sherloc (09022015). Collection method: clinical testing. Allele origin: germline.
Comment: This sequence change replaces arginine, which is basic and polar, with tryptophan, which is neutral and slightly polar, at codon 26 of the CSPP1 protein (p.Arg26Trp). This variant is present in population databases (no rsID available, gnomAD 0.004%). This variant has not been reported in the literature in individuals affected with CSPP1-related conditions. ClinVar contains an entry for this variant (Variation ID: 1019218). Algorithms developed to predict the effect of missense changes on protein structure and function are either unavailable or do not agree on the potential impact of this missense change (SIFT: "Deleterious"; PolyPhen-2: "Benign"; Align-GVGD: "Class C0"). In summary, the available evidence is currently insufficient to determine the role of this variant in disease. Therefore, it has been classified as a Variant of Uncertain Significance.

NM_001382391.1(CSPP1):c.-75C>T

Gene: CSPP1 (centrosome and spindle pole associated protein 1; plus strand). Cytogenetic location: 8q13.1.
Variant type: single nucleotide variant.
Coding change: c.-75C>T on transcript NM_001382391.1 (MANE Select); 75 bases upstream of the start codon, C replaced by T.
Molecular consequence: 5 prime UTR variant. On other transcripts: missense variant (3).
Genome position (GRCh38, 1-based): chr8:67,064,474, C>T. VCF-style: chr8-67064474-C-T. GRCh37 (hg19) VCF-style: chr8-67976709-C-T.
Other names: c.-75C>T (NM_001363131.2, NM_001363132.2, NM_001363133.2); c.76C>T, p.Arg26Trp (NM_001364869.1, NM_001364870.1, NM_024790.7); short protein forms R26W.
Identifiers: ClinVar variation 1019218 (VCV001019218.4), dbSNP rs918221746, ClinGen allele CA178228259.